The following is an entry in ClinVar:

NM_005228.5(EGFR):c.2774C>T (p.Ser925Phe)

Gene: EGFR (epidermal growth factor receptor; plus strand). Cytogenetic location: 7p11.2.
Variant type: single nucleotide variant.
Coding change: c.2774C>T on transcript NM_005228.5 (MANE Select); coding-DNA position 2774, C replaced by T.
Protein change: p.Ser925Phe; replaces serine 925 with phenylalanine.
Molecular consequence: missense variant.
Genome position (GRCh38, 1-based): chr7:55,198,789, C>T. VCF-style: chr7-55198789-C-T. GRCh37 (hg19) VCF-style: chr7-55266482-C-T.
Other names: c.2639C>T, p.Ser880Phe (NM_001346897.2, NM_001346899.2); c.2774C>T, p.Ser925Phe (NM_001346898.2); c.2615C>T, p.Ser872Phe (NM_001346900.2); c.1973C>T, p.Ser658Phe (NM_001346941.2); short protein forms S658F, S880F, S872F, S925F.
Identifiers: ClinVar variation 1510109 (VCV001510109.6), dbSNP rs2128968770, ClinGen allele CA367581330.

ClinVar aggregate classification (germline): Uncertain significance (1 of 4 stars; one submission).

Conditions:
EGFR-related lung cancer (EGFR). Identifiers: MedGen CN130014.

Submission:

Labcorp Genetics (formerly Invitae), Labcorp
Classification: Uncertain significance for EGFR-related lung cancer. Last evaluated: 2021-08-04. Review status: criteria provided, single submitter. Criteria: Invitae Variant Classification Sherloc (09022015). Collection method: clinical testing. Allele origin: germline.
Comment: This sequence change replaces serine with phenylalanine at codon 925 of the EGFR protein (p.Ser925Phe). The serine residue is weakly conserved and there is a large physicochemical difference between serine and phenylalanine. This variant is not present in population databases (ExAC no frequency). This variant has not been reported in the literature in individuals affected with EGFR-related conditions. Algorithms developed to predict the effect of missense changes on protein structure and function are either unavailable or do not agree on the potential impact of this missense change (SIFT: "Deleterious"; PolyPhen-2: "Possibly Damaging"; Align-GVGD: "Class C0"). In summary, the available evidence is currently insufficient to determine the role of this variant in disease. Therefore, it has been classified as a Variant of Uncertain Significance.